The following is an entry in ClinVar:

NM_001270.4(CHD1):c.2554G>T (p.Ala852Ser)

Gene: CHD1 (chromodomain helicase DNA binding protein 1; minus strand). Cytogenetic location: 5q15.
Variant type: single nucleotide variant.
Coding change: c.2554G>T on transcript NM_001270.4 (MANE Select); coding-DNA position 2554, G replaced by T.
Protein change: p.Ala852Ser; replaces alanine 852 with serine.
Molecular consequence: missense variant. On other transcripts: non-coding transcript variant (2).
Genome position (GRCh38, 1-based): chr5:98,885,592, C>A on the plus strand (G>T on the coding strand, the complement: CHD1 is on the minus strand). VCF-style: chr5-98885592-C-A. GRCh37 (hg19) VCF-style: chr5-98221296-C-A.
Other names: c.2554G>T, p.Ala852Ser (NM_001364113.3, NM_001376194.2); short protein forms A852S.
Identifiers: ClinVar variation 5037429 (VCV005037429.1).

ClinVar aggregate classification (germline): Uncertain significance (1 of 4 stars; one submission).

Submission:

GeneDx
Classification: Uncertain significance. Last evaluated: 2026-04-23. Review status: criteria provided, single submitter. Criteria: GeneDx Variant Classification Process June 2021. Collection method: clinical testing. Allele origin: germline.
Comment: Not observed at significant frequency in large population cohorts (gnomAD); In silico analysis supports that this missense variant has a deleterious effect on protein structure/function; Has not been previously published as pathogenic or benign to our knowledge